The following is an entry in ClinVar:

NM_000059.4(BRCA2):c.8954-5_8954-2del

Gene: BRCA2 (BRCA2 DNA repair associated; plus strand). Cytogenetic location: 13q13.1.
Variant type: Deletion.
Coding change: c.8954-5_8954-2del on transcript NM_000059.4 (MANE Select); 5 bases into the intron before coding-DNA position 8954 through the canonical splice acceptor site of the intron before coding-DNA position 8954, 4 bases deleted (AACA; older notation c.8954-5_8954-2delAACA).
Molecular consequence: splice acceptor variant.
Genome position (GRCh38, 1-based): chr13:32,379,745-32,379,748, AACA deleted; deleting any 4 consecutive bases within chr13:32,379,743-32,379,748 gives the same sequence; the c. name uses the placement nearest the transcript's 3' end. VCF-style (leftmost placement, unchanged base first): chr13-32379742-CCAAA-C. GRCh37 (hg19) VCF-style: chr13-32953879-CCAAA-C.
Other names: IVS22-5del4; c.8954-5_8954-2delAACA (NM_000059.4, NM_000059.3).
Identifiers: ClinVar variation 38199 (VCV000038199.33), dbSNP rs587782878, ClinGen allele CA025896.

ClinVar aggregate classification (germline): Benign/Likely benign. Review status: criteria provided, multiple submitters, no conflicts (2 of 4 stars). 16 submissions from 16 submitters: Benign (6); Likely benign (6). 4 of the submissions do not count toward it. Last evaluated 2026-01-26.

Conditions:
BRCA2-related disorder. Also called: BRCA2-related condition; BRCA2-related disorders. Identifiers: MedGen CN239275.
Breast and/or ovarian cancer. Identifiers: MedGen CN221562.
Hereditary cancer-predisposing syndrome. Also called: Neoplastic Syndromes, Hereditary; Tumor predisposition; Hereditary Cancer Syndrome; Hereditary neoplastic syndrome. Identifiers: Orphanet 140162, MedGen C0027672, MeSH D009386, MONDO:0015356.
Hereditary breast ovarian cancer syndrome. Also called: Hereditary breast and ovarian cancer; Hereditary breast and ovarian cancer syndrome; Hereditary breast and ovarian cancer syndrome (HBOC); Hereditary breast and/or ovarian cancer syndrome; Breast and ovarian cancer; BRCA1- and BRCA2-Associated Hereditary Breast and Ovarian Cancer. Identifiers: Orphanet 145, MedGen C0677776, MeSH D061325, MONDO:0003582. Disease mechanism: loss of function.
Breast-ovarian cancer, familial, susceptibility to, 2 (BROVCA2). Also called: BRCA2 Hereditary Breast and Ovarian Cancer. Identifiers: Orphanet 145, MedGen C2675520, MONDO:0012933, OMIM 612555. Disease mechanism: loss of function.
Malignant tumor of breast. Also called: Malignant breast neoplasm; Cancer breast. Identifiers: MedGen C0006142, MONDO:0007254. Disease mechanism: loss of function.

Submissions (16):

Labcorp Genetics (formerly Invitae), Labcorp
Classification: Benign for Hereditary breast ovarian cancer syndrome. Last evaluated: 2026-01-26. Review status: criteria provided, single submitter. Criteria: Invitae Variant Classification Sherloc (09022015). Collection method: clinical testing. Allele origin: germline.

Center for Genomic Medicine, Rigshospitalet, Copenhagen University Hospital
Classification: Likely benign. Last evaluated: 2025-03-04. Review status: criteria provided, single submitter. Criteria: ACMG Guidelines, 2015. Collection method: clinical testing. Allele origin: germline.

Molecular Diagnostics Laboratory, Catalan Institute of Oncology
Classification: Likely benign for Hereditary cancer-predisposing syndrome. Last evaluated: 2024-11-26. Review status: criteria provided, single submitter. Criteria: ClinGen BRCA1BRCA2 ACMG Specifications BRCA2 V1.0.0. Collection method: clinical testing. Allele origin: germline.
Comment: BS1, BP4 c.8954-5_8954-2del, located in a canonic splicing site of the BRCA2 is not predicted to alter splicing, (p.?) (BP4). The variant allele was found in 25/17684 alleles, with a filter allele frequency of 0.08% at 99% confidence, within the East Asian population in the gnomAD v2.1.1 database (non-cancer data set) (BS1). Combined experiments (cell viability and drug sensitivity assays) have shown that this deletion has no effect on the ability of BRCA2 protein expression or function (PMID: 33314489). In a case control study, was found in 2 out of 2088 breast cancer-affected patients and 2 out of 1463 controls, OR: 0.83 (PMID: 28222693). The combined LR (0.86) calculated by Parsons, et al (PMID: 31131967), although it approaches benignity, is not considered informative. This variant has been reported in the ClinVar database (6x benign, 7x likely benign, 1x uncertain significance,) and in LOVD (4x uncertain significance, 2x likely benign). Based on currently available information, the variant c.8954-5_8954-2del should be considered a likely benign variant.

Blueprint Genetics
Classification: Likely benign. Last evaluated: 2024-08-02. Review status: criteria provided, single submitter. Criteria: ACMG Guidelines, 2015. Collection method: clinical testing. Allele origin: germline.

Genomic Medicine Center of Excellence, King Faisal Specialist Hospital and Research Centre
Classification: Likely benign for Breast-ovarian cancer, familial, susceptibility to, 2. Last evaluated: 2024-04-04. Review status: criteria provided, single submitter. Criteria: ACMG Guidelines, 2015. Collection method: clinical testing. Allele origin: germline.

Quest Diagnostics Nichols Institute San Juan Capistrano
Classification: Benign. Last evaluated: 2023-06-21. Review status: criteria provided, single submitter. Criteria: Quest Diagnostics criteria. Collection method: clinical testing. Allele origin: unknown.

CHEO Genetics Diagnostic Laboratory, Children's Hospital of Eastern Ontario
Classification: Likely benign for Breast and/or ovarian cancer. Last evaluated: 2022-09-20. Review status: criteria provided, single submitter. Criteria: ACMG Guidelines, 2015. Collection method: clinical testing. Allele origin: germline.

Sema4
Classification: Likely benign for Hereditary cancer-predisposing syndrome. Last evaluated: 2021-12-06. Review status: criteria provided, single submitter. Criteria: Sema4 Curation Guidelines. Collection method: curation. Allele origin: germline.

Women's Health and Genetics/Laboratory Corporation of America, LabCorp
Classification: Benign. Last evaluated: 2019-05-21. Review status: criteria provided, single submitter. Criteria: LabCorp Variant Classification Summary - May 2015. Collection method: clinical testing. Allele origin: germline.
Comment: Variant summary: BRCA2 c.8954-5_8954-2delAACA alters a nucleotide located close to a canonical splice site and therefore could affect mRNA splicing, leading to a significantly altered protein sequence. 5/5 computational tools predict no significant impact on normal splicing. However, these predictions have yet to be confirmed by functional studies. The variant allele was found at a frequency of 0.00011 in 281868 control chromosomes, predominantly at a frequency of 0.0015 within the East Asian subpopulation in the gnomAD database. The observed variant frequency within East Asian control individuals in the gnomAD database is approximately 2 fold of the estimated maximal expected allele frequency for a pathogenic variant in BRCA2 causing Hereditary Breast and Ovarian Cancer phenotype (0.00075), strongly suggesting that the variant is a benign polymorphism found primarily in populations of East Asian origin. The variant, c.8954-5_8954-2delAACA, has been reported in the literature in individuals affected with breast cancer but without evidence for causality (Carney_2010, Chan_2018, Lai_2017, Suter_2004). In addition, co-occurrences with pathogenic BRCA2 variant have been reported (c.7878G>A, p.Trp2626X; Carney_2010, LabCorp internal testing), providing supporting evidence for a benign role. To our knowledge, no experimental evidence demonstrating an impact on protein function has been reported. Four submitters have provided clinical-significance assessments for this variant to ClinVar after 2014 without evidence for independent evaluation (VUS (n=2), Benign (n=2)). Based on the evidence outlined above, the variant was classified as benign.

Color Diagnostics, LLC DBA Color Health
Classification: Benign for Hereditary cancer-predisposing syndrome. Last evaluated: 2016-06-21. Review status: criteria provided, single submitter. Criteria: ACMG Guidelines, 2015. Collection method: clinical testing. Allele origin: germline.

GeneDx
Classification: Benign. Last evaluated: 2015-07-15. Review status: criteria provided, single submitter. Criteria: GeneDx Variant Classification Process June 2021. Collection method: clinical testing. Allele origin: germline. Affected: yes.
Comment: This variant is associated with the following publications: (PMID: 31825140)

Ambry Genetics
Classification: Benign for Hereditary cancer-predisposing syndrome. Last evaluated: 2014-11-19. Review status: criteria provided, single submitter. Criteria: Ambry Variant Classification Scheme 2023. Collection method: clinical testing. Allele origin: germline.

PreventionGenetics, part of Exact Sciences
Classification: Likely benign for BRCA2-related condition. Last evaluated: 2023-09-11. Review status: no assertion criteria provided. Collection method: clinical testing. Allele origin: germline. Not counted in ClinVar's aggregate classification.
Comment: This variant is classified as likely benign based on ACMG/AMP sequence variant interpretation guidelines (Richards et al. 2015 PMID: 25741868, with internal and published modifications).

Counsyl
Classification: Uncertain significance for Breast-ovarian cancer, familial, susceptibility to, 2. Last evaluated: 2015-11-17. Review status: no assertion criteria provided. Collection method: clinical testing. Allele origin: unknown. Not counted in ClinVar's aggregate classification.

Sharing Clinical Reports Project (SCRP)
Classification: Likely benign for Breast-ovarian cancer, familial 2. Last evaluated: 2011-03-04. Review status: no assertion criteria provided. Collection method: clinical testing. Allele origin: germline. Not counted in ClinVar's aggregate classification.

Department of Pathology and Laboratory Medicine, Sinai Health System
Classification: Likely benign for Malignant tumor of breast. Review status: no assertion criteria provided. Collection method: clinical testing. Allele origin: unknown. Affected: yes. Study: The Canadian Open Genetics Repository (COGR). Not counted in ClinVar's aggregate classification.
Comment: The BRCA2 c.8954-5_8954-2delAACA was identified in the literature in an individual with breast cancer. However in the same patient a co-occurring pathogenic BRCA2 variant (p.Trp2626X) was identified, increasing the likelihood that the c.8954-5_8954-2delAACA variant may not have clinical significance (Carney 2010). The variant was also identified in the Clinvar database (classified as likely benign by the Sharing Clinical Reports Project (SCRP) (derived from Myriad reports); classified as likely benign by Ambry Genetics). The c.8954-5_8954-2delAACA variant occurs within the invariant dinucleotide AG sequence (at positions -2 to -1) within the 3â€šÃ„Ã´ splice region. Although the deletion affects the -2 nucleotide (adenine, or A), the four base-pair deletion (AACA) results in a sequence with an adenine (A) at the -2 position, thus preserving the invariant AG donor sequence. Positions -3 and -5 to 12 are part of the splicing consensus sequence and variants involving these positions sometimes affect splicing. The variant sequence resulting from the 4 base-pair deletion is different from the wild-type sequence within this region, thus splicing may be affected. In silico or computational prediction software programs (SpliceSiteFinder, MaxEntScan, NNSPLICE, GeneSplicer, HumanSpliceFinder) do not predict a change to the donor splice site; however this information is not predictive enough to rule out pathogenicity.In summary, based on the above information, the clinical significance of this variant cannot be determined with certainty at this time although we would lean towards a more benign role for this variant. This variant is classified as likely benign.

Literature cited by the submitters: PubMed 21218378 (cited by 4 submitters); PubMed 28222693 (cited by 3 submitters); PubMed 14973102 (cited by Sema4 and Women's Health and Genetics/Laboratory Corporation of America, LabCorp); PubMed 30093976 (cited by Sema4 and Women's Health and Genetics/Laboratory Corporation of America, LabCorp); PubMed 32467295 (cited by Sema4); PubMed 33314489 (cited by Sema4); PubMed 18779604 (cited by Women's Health and Genetics/Laboratory Corporation of America, LabCorp); PubMed 28726806 (cited by Women's Health and Genetics/Laboratory Corporation of America, LabCorp).